The following is an entry in ClinVar:

NM_022051.3(EGLN1):c.178G>A (p.Gly60Ser)

Gene: EGLN1 (egl-9 family hypoxia inducible factor 1; minus strand). Cytogenetic location: 1q42.2.
Variant type: single nucleotide variant.
Coding change: c.178G>A on transcript NM_022051.3 (MANE Select); coding-DNA position 178, G replaced by A.
Protein change: p.Gly60Ser; replaces glycine 60 with serine.
Molecular consequence: missense variant.
Genome position (GRCh38, 1-based): chr1:231,421,711, C>T on the plus strand (G>A on the coding strand, the complement: EGLN1 is on the minus strand). VCF-style: chr1-231421711-C-T. GRCh37 (hg19) VCF-style: chr1-231557457-C-T.
Other names: c.178G>A, p.Gly60Ser (NM_001377260.1, NM_001377261.1); short protein forms G60S.
Identifiers: ClinVar variation 1780170 (VCV001780170.3), dbSNP rs868325971, ClinGen allele CA345238761.

ClinVar aggregate classification (germline): Uncertain significance (1 of 4 stars; one submission).

gnomAD v4.1: 1 of 1,523,828 alleles (0.000066%); highest among the groups gnomAD compares: Admixed American, 0.002%; no homozygotes.

Submission:

Ambry Genetics
Classification: Uncertain significance. Last evaluated: 2024-10-20. Review status: criteria provided, single submitter. Criteria: Ambry Variant Classification Scheme 2023. Collection method: clinical testing. Allele origin: germline.
Comment: The p.G60S variant (also known as c.178G>A), located in coding exon 1 of the EGLN1 gene, results from a G to A substitution at nucleotide position 178. The glycine at codon 60 is replaced by serine, an amino acid with similar properties. This amino acid position is conserved. In addition, this alteration is predicted to be tolerated by in silico analysis. Since supporting evidence is limited at this time, the clinical significance of this alteration remains unclear.